The following is an entry in ClinVar:

ClinVar aggregate classification (germline): Uncertain significance. Review status: reviewed by expert panel (3 of 4 stars). 2 submissions from 2 submitters: Uncertain significance (1). 1 of the submissions does not count toward it. Last evaluated 2024-10-29.

Conditions:
Hereditary thrombocytopenia and hematologic cancer predisposition syndrome. Identifiers: Orphanet 71290, MedGen CN281654, MONDO:0011071.
Hereditary thrombocytopenia and hematological cancer predisposition syndrome associated with RUNX1. Also called: Familial Platelet Disorder with Propensity to Acute Myelogenous Leukemia; Familial thrombocytopenia with propensity to acute myelogenous leukemia; PLATELET DISORDER, ASPIRIN-LIKE; RUNX1 Familial Platelet Disorder with Associated Myeloid Malignancies. Identifiers: Orphanet 71290, MedGen C1832388, MeSH C563324, MONDO:0100083, OMIM 601399.

Allele frequency attached by ClinVar (database versions not stated): gnomAD exomes below 0.00001.
gnomAD v4.1: 2 of 1,557,670 alleles (0.00013%); highest among the groups gnomAD compares: Non-Finnish European, 0.00017%; no homozygotes.

Submissions (2):

ClinGen Myeloid Malignancy Variant Curation Expert Panel
Classification: Uncertain significance for Hereditary thrombocytopenia and hematologic cancer predisposition syndrome. Last evaluated: 2024-10-29. Review status: reviewed by expert panel. Criteria: ClinGen MyeloMalig ACMG Specifications v2. Collection method: curation. Allele origin: germline. Inheritance: Autosomal dominant inheritance.
Comment: NM_001754.5(RUNX1):c.1225G>A (p.Ala409Thr) is a missense variant which has a REVEL score < 0.50 (0.03) and a SpliceAI score ≤ 0.20 (0.0) (BP4). In summary, the clinical significance of this variant is uncertain. ACMG/AMP criteria applied, as specified by the Myeloid Malignancy Variant Curation Expert Panel for RUNX1: BP4.

Labcorp Genetics (formerly Invitae), Labcorp
Classification: Uncertain significance for Hereditary thrombocytopenia and hematological cancer predisposition syndrome associated with RUNX1. Last evaluated: 2025-10-06. Review status: criteria provided, single submitter. Criteria: Invitae Variant Classification Sherloc (09022015). Collection method: clinical testing. Allele origin: germline. Not counted in ClinVar's aggregate classification.
Comment: This sequence change replaces alanine, which is neutral and non-polar, with threonine, which is neutral and polar, at codon 409 of the RUNX1 protein (p.Ala409Thr). This variant is not present in population databases (gnomAD no frequency). This variant has not been reported in the literature in individuals affected with RUNX1-related conditions. ClinVar contains an entry for this variant (Variation ID: 573555). An algorithm developed to predict the effect of missense changes on protein structure and function outputs the following: PolyPhen-2: "Benign". The threonine amino acid residue is found in multiple mammalian species, which suggests that this missense change does not adversely affect protein function. In summary, the available evidence is currently insufficient to determine the role of this variant in disease. Therefore, it has been classified as a Variant of Uncertain Significance.

NM_001754.5(RUNX1):c.1225G>A (p.Ala409Thr)

Gene: RUNX1 (RUNX family transcription factor 1; minus strand). Cytogenetic location: 21q22.12.
Variant type: single nucleotide variant.
Coding change: c.1225G>A on transcript NM_001754.5 (MANE Select); coding-DNA position 1225, G replaced by A.
Protein change: p.Ala409Thr; replaces alanine 409 with threonine.
Molecular consequence: missense variant.
Genome position (GRCh38, 1-based): chr21:34,792,353, C>T on the plus strand (G>A on the coding strand, the complement: RUNX1 is on the minus strand). VCF-style: chr21-34792353-C-T. GRCh37 (hg19) VCF-style: chr21-36164650-C-T.
Other names: NM_001754.5(RUNX1):c.1225G>A; p.Ala409Thr; c.1144G>A, p.Ala382Thr (NM_001001890.3); short protein forms A409T, A382T.
Identifiers: ClinVar variation 573555 (VCV000573555.9), dbSNP rs1569002104, ClinGen allele CA410147739.